The following is an entry in ClinVar:

NM_006231.4(POLE):c.2524A>G (p.Ile842Val)

Gene: POLE (DNA polymerase epsilon, catalytic subunit; minus strand). Cytogenetic location: 12q24.33.
Variant type: single nucleotide variant.
Coding change: c.2524A>G on transcript NM_006231.4 (MANE Select); coding-DNA position 2524, A replaced by G.
Protein change: p.Ile842Val; replaces isoleucine 842 with valine.
Molecular consequence: missense variant.
Genome position (GRCh38, 1-based): chr12:132,664,407, T>C on the plus strand (A>G on the coding strand, the complement: POLE is on the minus strand). VCF-style: chr12-132664407-T-C. GRCh37 (hg19) VCF-style: chr12-133240993-T-C.
Other names: short protein forms I842V.
Identifiers: ClinVar variation 4751014 (VCV004751014.1).

ClinVar aggregate classification (germline): Uncertain significance (1 of 4 stars; one submission).

Submission:

Labcorp Genetics (formerly Invitae), Labcorp
Classification: Uncertain significance. Last evaluated: 2025-05-06. Review status: criteria provided, single submitter. Criteria: Invitae Variant Classification Sherloc (09022015). Collection method: clinical testing. Allele origin: germline.
Comment: This sequence change replaces isoleucine, which is neutral and non-polar, with valine, which is neutral and non-polar, at codon 842 of the POLE protein (p.Ile842Val). This variant is not present in population databases (gnomAD no frequency). This variant has not been reported in the literature in individuals affected with POLE-related conditions. Invitae Evidence Modeling of protein sequence and biophysical properties (such as structural, functional, and spatial information, amino acid conservation, physicochemical variation, residue mobility, and thermodynamic stability) indicates that this missense variant is expected to disrupt POLE protein function with a positive predictive value of 80%. In summary, the available evidence is currently insufficient to determine the role of this variant in disease. Therefore, it has been classified as a Variant of Uncertain Significance.